The following is an entry in ClinVar:

NM_002878.4(RAD51D):c.875T>C (p.Met292Thr)

Genes: RAD51D (RAD51 paralog D; minus strand), RAD51L3-RFFL (RAD51L3-RFFL readthrough; minus strand). Cytogenetic location: 17q12.
Variant type: single nucleotide variant.
Coding change: c.875T>C on transcript NM_002878.4 (MANE Select); coding-DNA position 875, T replaced by C.
Protein change: p.Met292Thr; replaces methionine 292 with threonine.
Molecular consequence: missense variant. On other transcripts: non-coding transcript variant (3).
Genome position (GRCh38, 1-based): chr17:35,101,229, A>G on the plus strand (T>C on the coding strand, the complement: RAD51D is on the minus strand). VCF-style: chr17-35101229-A-G. GRCh37 (hg19) VCF-style: chr17-33428248-A-G.
Other names: c.935T>C, p.Met312Thr (NM_001142571.2); c.539T>C, p.Met180Thr (NM_133629.3); short protein forms M180T, M292T, M312T.
Identifiers: ClinVar variation 2683740 (VCV002683740.5), dbSNP rs2142411132, ClinGen allele CA399086409.

ClinVar aggregate classification (germline): Conflicting classifications of pathogenicity. Review status: criteria provided, conflicting classifications (1 of 4 stars). 3 submissions from 3 submitters: Uncertain significance (2); Likely benign (1). Last evaluated 2023-11-14.

Conditions:
Hereditary breast ovarian cancer syndrome. Also called: BRCA1- and BRCA2-Associated Hereditary Breast and Ovarian Cancer; Hereditary breast and ovarian cancer syndrome; Hereditary breast and ovarian cancer syndrome (HBOC); Hereditary breast and/or ovarian cancer syndrome; Hereditary breast and ovarian cancer; Breast and ovarian cancer. Identifiers: Orphanet 145, MedGen C0677776, MeSH D061325, MONDO:0003582. Disease mechanism: loss of function.
Breast-ovarian cancer, familial, susceptibility to, 4. Identifiers: Orphanet 145, MedGen C3280345, MONDO:0013669, OMIM 614291.

Submissions (3):

German Consortium for Hereditary Breast and Ovarian Cancer, University Hospital Cologne
Classification: Uncertain significance for Hereditary breast ovarian cancer syndrome. Last evaluated: 2023-11-14. Review status: criteria provided, single submitter. Criteria: ACMG Guidelines, 2015. Collection method: curation. Allele origin: germline.
Comment: PMS_sup; BP4. According to the ACMG standard criteria we chose these criteria: PM2 (supporting pathogenic): not in gnomAD, BP4 (supporting benign): BP4_MOD nach Pejaver Paper bei REVEL 0.069

Labcorp Genetics (formerly Invitae), Labcorp
Classification: Uncertain significance for Breast-ovarian cancer, familial, susceptibility to, 4. Last evaluated: 2023-09-23. Review status: criteria provided, single submitter. Criteria: Invitae Variant Classification Sherloc (09022015). Collection method: clinical testing. Allele origin: germline.
Comment: In summary, the available evidence is currently insufficient to determine the role of this variant in disease. Therefore, it has been classified as a Variant of Uncertain Significance. Advanced modeling of protein sequence and biophysical properties (such as structural, functional, and spatial information, amino acid conservation, physicochemical variation, residue mobility, and thermodynamic stability) performed at Invitae indicates that this missense variant is not expected to disrupt RAD51D protein function. This variant has not been reported in the literature in individuals affected with RAD51D-related conditions. This variant is not present in population databases (gnomAD no frequency). This sequence change replaces methionine, which is neutral and non-polar, with threonine, which is neutral and polar, at codon 292 of the RAD51D protein (p.Met292Thr).

Blueprint Genetics
Classification: Likely benign. Last evaluated: 2023-05-21. Review status: criteria provided, single submitter. Criteria: ACMG Guidelines, 2015. Collection method: clinical testing. Allele origin: germline.